The following is an entry in ClinVar:

ClinVar aggregate classification (germline): Uncertain significance (1 of 4 stars; one submission).

Conditions:
Intellectual developmental disorder, autosomal dominant 1. Also called: MBD5 Haploinsufficiency; Intellectual disability, autosomal dominant 1. Identifiers: Orphanet 228402, MedGen C1969562, MONDO:0007974, OMIM 156200.

Submission:

Labcorp Genetics (formerly Invitae), Labcorp
Classification: Uncertain significance for Intellectual developmental disorder, autosomal dominant 1. Last evaluated: 2025-02-17. Review status: criteria provided, single submitter. Criteria: Invitae Variant Classification Sherloc (09022015). Collection method: clinical testing. Allele origin: germline.
Comment: This sequence change replaces serine, which is neutral and polar, with leucine, which is neutral and non-polar, at codon 174 of the MBD5 protein (p.Ser174Leu). This variant is not present in population databases (gnomAD no frequency). This variant has not been reported in the literature in individuals affected with MBD5-related conditions. ClinVar contains an entry for this variant (Variation ID: 1953292). Invitae Evidence Modeling of protein sequence and biophysical properties (such as structural, functional, and spatial information, amino acid conservation, physicochemical variation, residue mobility, and thermodynamic stability) indicates that this missense variant is not expected to disrupt MBD5 protein function with a negative predictive value of 80%. In summary, the available evidence is currently insufficient to determine the role of this variant in disease. Therefore, it has been classified as a Variant of Uncertain Significance.

NM_001378120.1(MBD5):c.521C>T (p.Ser174Leu)

Gene: MBD5 (methyl-CpG binding domain protein 5; plus strand). Cytogenetic location: 2q23.1.
Variant type: single nucleotide variant.
Coding change: c.521C>T on transcript NM_001378120.1 (MANE Select); coding-DNA position 521, C replaced by T.
Protein change: p.Ser174Leu; replaces serine 174 with leucine.
Molecular consequence: missense variant.
Genome position (GRCh38, 1-based): chr2:148,468,464, C>T. VCF-style: chr2-148468464-C-T. GRCh37 (hg19) VCF-style: chr2-149226033-C-T.
Other names: c.521C>T, p.Ser174Leu (NM_018328.5); short protein forms S174L.
Identifiers: ClinVar variation 1953292 (VCV001953292.5), dbSNP rs2469854851, ClinGen allele CA348716978.